The following is an entry in ClinVar:

NM_017780.4(CHD7):c.527G>T (p.Gly176Val)

Gene: CHD7 (chromodomain helicase DNA binding protein 7; plus strand). Cytogenetic location: 8q12.2.
Variant type: single nucleotide variant.
Coding change: c.527G>T on transcript NM_017780.4 (MANE Select); coding-DNA position 527, G replaced by T.
Protein change: p.Gly176Val; replaces glycine 176 with valine.
Molecular consequence: missense variant.
Genome position (GRCh38, 1-based): chr8:60,741,959, G>T. VCF-style: chr8-60741959-G-T. GRCh37 (hg19) VCF-style: chr8-61654518-G-T.
Other names: c.527G>T, p.Gly176Val (NM_001316690.1); short protein forms G176V.
Identifiers: ClinVar variation 3492068 (VCV003492068.2).

ClinVar aggregate classification (germline): Uncertain significance. Review status: criteria provided, multiple submitters, no conflicts (2 of 4 stars). 2 submissions from 2 submitters: Uncertain significance (2). Last evaluated 2025-08-09.

Conditions:
Inborn genetic diseases. Identifiers: MedGen C0950123, MeSH D030342.
CHARGE syndrome (CHARGE). Also called: Hittner Hirsch Kreh syndrome; CHARGE ASSOCIATION--COLOBOMA, HEART ANOMALY, CHOANAL ATRESIA, RETARDATION, GENITAL AND EAR ANOMALIES; Coloboma, heart anomaly, choanal atresia, retardation, genital and ear anomalies; CHARGE association; Hall-Hittner syndrome. Identifiers: Orphanet 138, MedGen C0265354, MONDO:0008965.

gnomAD v4.1: 5 of 1,613,702 alleles (0.00031%); highest among the groups gnomAD compares: Non-Finnish European, 0.00042%; no homozygotes.

Submissions (2):

Labcorp Genetics (formerly Invitae), Labcorp
Classification: Uncertain significance for CHARGE syndrome. Last evaluated: 2025-08-09. Review status: criteria provided, single submitter. Criteria: Invitae Variant Classification Sherloc (09022015). Collection method: clinical testing. Allele origin: germline.
Comment: This sequence change replaces glycine, which is neutral and non-polar, with valine, which is neutral and non-polar, at codon 176 of the CHD7 protein (p.Gly176Val). This variant is not present in population databases (gnomAD no frequency). This variant has not been reported in the literature in individuals affected with CHD7-related conditions. ClinVar contains an entry for this variant (Variation ID: 3492068). Invitae Evidence Modeling of protein sequence and biophysical properties (such as structural, functional, and spatial information, amino acid conservation, physicochemical variation, residue mobility, and thermodynamic stability) indicates that this missense variant is not expected to disrupt CHD7 protein function with a negative predictive value of 95%. In summary, the available evidence is currently insufficient to determine the role of this variant in disease. Therefore, it has been classified as a Variant of Uncertain Significance.

Ambry Genetics
Classification: Uncertain significance for Inborn genetic diseases. Last evaluated: 2024-09-04. Review status: criteria provided, single submitter. Criteria: Ambry Variant Classification Scheme 2023. Collection method: clinical testing. Allele origin: germline.